The following is an entry in ClinVar:

NM_004171.4(SLC1A2):c.961A>G (p.Ile321Val)

Gene: SLC1A2 (solute carrier family 1 member 2; minus strand). Cytogenetic location: 11p13.
Variant type: single nucleotide variant.
Coding change: c.961A>G on transcript NM_004171.4 (MANE Select); coding-DNA position 961, A replaced by G.
Protein change: p.Ile321Val; replaces isoleucine 321 with valine.
Molecular consequence: missense variant.
Genome position (GRCh38, 1-based): chr11:35,292,417, T>C on the plus strand (A>G on the coding strand, the complement: SLC1A2 is on the minus strand). VCF-style: chr11-35292417-T-C. GRCh37 (hg19) VCF-style: chr11-35313964-T-C.
Other names: c.934A>G, p.Ile312Val (NM_001195728.3, NM_001252652.2); short protein forms I312V, I321V.
Identifiers: ClinVar variation 1984671 (VCV001984671.4), dbSNP rs1851038858, ClinGen allele CA380124925.
Genomic context (GRCh38, chr11:35,292,417, plus strand): 5'-TGGTCACTACAAAGTAAATCAAGGGGAGAAAGATGCCCCCGTGGATGATGAGGCCTATGA[T>C]CACTGTTACCATGTACATCCCCAGTTGCCTAGCAACCACTTCTAAGTCCTTGATTGCAAT-3'
Protein context (NP_004162.2, residues 311-331): RQLGMYMVTV[Ile321Val]IGLIIHGGIF

ClinVar aggregate classification (germline): Uncertain significance (1 of 4 stars; one submission).

Allele frequency attached by ClinVar (database versions not stated): gnomAD exomes below 0.00001; TOPMed below 0.00001.
gnomAD v4.1: 1 of 1,613,854 alleles (0.000062%); highest among the groups gnomAD compares: African/African-American, 0.0013%; no homozygotes.

Submission:

Labcorp Genetics (formerly Invitae), Labcorp
Classification: Uncertain significance. Last evaluated: 2023-11-27. Review status: criteria provided, single submitter. Criteria: Invitae Variant Classification Sherloc (09022015). Collection method: clinical testing. Allele origin: germline.
Comment: This sequence change replaces isoleucine, which is neutral and non-polar, with valine, which is neutral and non-polar, at codon 321 of the SLC1A2 protein (p.Ile321Val). This variant is not present in population databases (gnomAD no frequency). This variant has not been reported in the literature in individuals affected with SLC1A2-related conditions. ClinVar contains an entry for this variant (Variation ID: 1984671). Advanced modeling of protein sequence and biophysical properties (such as structural, functional, and spatial information, amino acid conservation, physicochemical variation, residue mobility, and thermodynamic stability) performed at Invitae indicates that this missense variant is not expected to disrupt SLC1A2 protein function with a negative predictive value of 80%. In summary, the available evidence is currently insufficient to determine the role of this variant in disease. Therefore, it has been classified as a Variant of Uncertain Significance.